The following is an entry in ClinVar:

NM_000498.3(CYP11B2):c.110C>T (p.Pro37Leu)

Genes: CYP11B2 (cytochrome P450 family 11 subfamily B member 2; minus strand), LOC106799834 (CYP11B2 recombination region; plus strand). Cytogenetic location: 8q24.3.
Variant type: single nucleotide variant.
Coding change: c.110C>T on transcript NM_000498.3 (MANE Select); coding-DNA position 110, C replaced by T.
Protein change: p.Pro37Leu; replaces proline 37 with leucine.
Molecular consequence: missense variant.
Genome position (GRCh38, 1-based): chr8:142,917,731, G>A on the plus strand (C>T on the coding strand, the complement: CYP11B2 is on the minus strand). VCF-style: chr8-142917731-G-A. GRCh37 (hg19) VCF-style: chr8-143999147-G-A.
Other names: short protein forms P37L.
Identifiers: ClinVar variation 2161395 (VCV002161395.1), dbSNP rs762278190, ClinGen allele CA4906368.

ClinVar aggregate classification (germline): Uncertain significance (1 of 4 stars; one submission).

Allele frequency attached by ClinVar (database versions not stated): TOPMed below 0.00001; ExAC 0.00001; gnomAD 0.00001; gnomAD exomes 0.00002.

Submission:

Labcorp Genetics (formerly Invitae), Labcorp
Classification: Uncertain significance. Last evaluated: 2022-05-05. Review status: criteria provided, single submitter. Criteria: Invitae Variant Classification Sherloc (09022015). Collection method: clinical testing. Allele origin: germline.
Comment: This sequence change replaces proline, which is neutral and non-polar, with leucine, which is neutral and non-polar, at codon 37 of the CYP11B2 protein (p.Pro37Leu). This variant is present in population databases (rs762278190, gnomAD 0.01%). This variant has not been reported in the literature in individuals affected with CYP11B2-related conditions. Advanced modeling of protein sequence and biophysical properties (such as structural, functional, and spatial information, amino acid conservation, physicochemical variation, residue mobility, and thermodynamic stability) performed at Invitae indicates that this missense variant is not expected to disrupt CYP11B2 protein function. In summary, the available evidence is currently insufficient to determine the role of this variant in disease. Therefore, it has been classified as a Variant of Uncertain Significance.